The following is an entry in ClinVar:

ClinVar aggregate classification (germline): Uncertain significance (1 of 4 stars; one submission).

Allele frequency attached by ClinVar (database versions not stated): gnomAD exomes 0.00001; gnomAD 0.00002; TOPMed 0.00002.
gnomAD v4.1: 13 of 1,614,106 alleles (0.00081%); highest among the groups gnomAD compares: African/African-American, 0.0027%; no homozygotes.

Submission:

Labcorp Genetics (formerly Invitae), Labcorp
Classification: Uncertain significance. Last evaluated: 2025-10-06. Review status: criteria provided, single submitter. Criteria: Invitae Variant Classification Sherloc (09022015). Collection method: clinical testing. Allele origin: germline.
Comment: This sequence change replaces arginine, which is basic and polar, with histidine, which is basic and polar, at codon 1397 of the PLXNA2 protein (p.Arg1397His). This variant is not present in population databases (gnomAD no frequency). This variant has not been reported in the literature in individuals affected with PLXNA2-related conditions. ClinVar contains an entry for this variant (Variation ID: 2864826). Invitae Evidence Modeling of protein sequence and biophysical properties (such as structural, functional, and spatial information, amino acid conservation, physicochemical variation, residue mobility, and thermodynamic stability) indicates that this missense variant is not expected to disrupt PLXNA2 protein function with a negative predictive value of 80%. In summary, the available evidence is currently insufficient to determine the role of this variant in disease. Therefore, it has been classified as a Variant of Uncertain Significance.

NM_025179.4(PLXNA2):c.4190G>A (p.Arg1397His)

Gene: PLXNA2 (plexin A2; minus strand). Cytogenetic location: 1q32.2.
Variant type: single nucleotide variant.
Coding change: c.4190G>A on transcript NM_025179.4 (MANE Select); coding-DNA position 4190, G replaced by A.
Protein change: p.Arg1397His; replaces arginine 1397 with histidine.
Molecular consequence: missense variant.
Genome position (GRCh38, 1-based): chr1:208,042,194, C>T on the plus strand (G>A on the coding strand, the complement: PLXNA2 is on the minus strand). VCF-style: chr1-208042194-C-T. GRCh37 (hg19) VCF-style: chr1-208215539-C-T.
Other names: short protein forms R1397H.
Identifiers: ClinVar variation 2864826 (VCV002864826.3), dbSNP rs1275999825, ClinGen allele CA344562590.